The following is an entry in ClinVar:

ClinVar aggregate classification (germline): Uncertain significance (1 of 4 stars; one submission).

Conditions:
Leukocyte adhesion deficiency type II. Also called: CONGENITAL DISORDER OF GLYCOSYLATION, TYPE IIc; CDG IIc; Congenital disorder of glycosylation type 2C; CDG 2C; Leukocyte adhesion deficiency type 2; Rambam Hasharon syndrome. Identifiers: Orphanet 2968, Orphanet 99843, MedGen C0398739, MONDO:0009953, OMIM 266265.

Allele frequency attached by ClinVar (database versions not stated): TOPMed 0.00002; ExAC 0.00003; gnomAD 0.00003 and 0.00004; gnomAD exomes 0.00004.

Submission:

Labcorp Genetics (formerly Invitae), Labcorp
Classification: Uncertain significance for Leukocyte adhesion deficiency type II. Last evaluated: 2025-08-09. Review status: criteria provided, single submitter. Criteria: Invitae Variant Classification Sherloc (09022015). Collection method: clinical testing. Allele origin: germline.
Comment: This sequence change replaces glycine, which is neutral and non-polar, with serine, which is neutral and polar, at codon 274 of the SLC35C1 protein (p.Gly274Ser). This variant is present in population databases (rs759064697, gnomAD 0.007%). This variant has not been reported in the literature in individuals affected with SLC35C1-related conditions. ClinVar contains an entry for this variant (Variation ID: 1388902). Invitae Evidence Modeling of protein sequence and biophysical properties (such as structural, functional, and spatial information, amino acid conservation, physicochemical variation, residue mobility, and thermodynamic stability) indicates that this missense variant is not expected to disrupt SLC35C1 protein function with a negative predictive value of 80%. In summary, the available evidence is currently insufficient to determine the role of this variant in disease. Therefore, it has been classified as a Variant of Uncertain Significance.

NM_018389.5(SLC35C1):c.820G>A (p.Gly274Ser)

Gene: SLC35C1 (solute carrier family 35 member C1; plus strand). Cytogenetic location: 11p11.2.
Variant type: single nucleotide variant.
Coding change: c.820G>A on transcript NM_018389.5 (MANE Select); coding-DNA position 820, G replaced by A.
Protein change: p.Gly274Ser; replaces glycine 274 with serine.
Molecular consequence: missense variant.
Genome position (GRCh38, 1-based): chr11:45,811,060, G>A. VCF-style: chr11-45811060-G-A. GRCh37 (hg19) VCF-style: chr11-45832611-G-A.
Other names: c.781G>A, p.Gly261Ser (NM_001145265.2, NM_001145266.2); short protein forms G274S, G261S.
Identifiers: ClinVar variation 1388902 (VCV001388902.5), dbSNP rs759064697, ClinGen allele CA5958341.